The following is an entry in ClinVar:

ClinVar aggregate classification (germline): Uncertain significance (1 of 4 stars; one submission).

Submission:

GeneDx
Classification: Uncertain significance. Last evaluated: 2021-06-25. Review status: criteria provided, single submitter. Criteria: GeneDx Variant Classification Process June 2021. Collection method: clinical testing. Allele origin: germline. Affected: yes.
Comment: Not observed at significant frequency in large population cohorts (Lek et al., 2016); In silico analysis supports that this missense variant does not alter protein structure/function; Has not been previously published as pathogenic or benign to our knowledge; This variant is associated with the following publications: (PMID: 27535533)

NM_006947.4(SRP72):c.1061A>T (p.His354Leu)

Gene: SRP72 (signal recognition particle 72; plus strand). Cytogenetic location: 4q12.
Variant type: single nucleotide variant.
Coding change: c.1061A>T on transcript NM_006947.4 (MANE Select); coding-DNA position 1061, A replaced by T.
Protein change: p.His354Leu; replaces histidine 354 with leucine.
Molecular consequence: missense variant. On other transcripts: non-coding transcript variant (1).
Genome position (GRCh38, 1-based): chr4:56,484,839, A>T. VCF-style: chr4-56484839-A-T. GRCh37 (hg19) VCF-style: chr4-57351005-A-T.
Other names: c.878A>T, p.His293Leu (NM_001267722.2); short protein forms H293L, H354L.
Identifiers: ClinVar variation 1329538 (VCV001329538.2), dbSNP rs2110123036, ClinGen allele CA357000103.